The following is an entry in ClinVar:

NM_138694.4(PKHD1):c.4698del (p.Arg1567fs)

Genes: PKHD1 (PKHD1 ciliary IPT domain containing fibrocystin/polyductin; minus strand), LOC126859690 (MED14-independent group 3 enhancer GRCh37_chr6:51888848-51890047; plus strand). Cytogenetic location: 6p12.2.
Variant type: Deletion.
Coding change: c.4698del on transcript NM_138694.4 (MANE Select); coding-DNA position 4698, one base deleted (C; older notation c.4698delC).
Protein change: p.Arg1567fs; shifts the reading frame from arginine 1567.
Molecular consequence: frameshift variant.
Genome position (GRCh38, 1-based): chr6:52,025,112, G deleted on the plus strand (C on the coding strand, the reverse complement: PKHD1 is on the minus strand); the first of 2 consecutive G bases (chr6:52,025,112-52,025,113); deleting either gives the same sequence. VCF-style (leftmost placement, unchanged base first): chr6-52025111-TG-T. GRCh37 (hg19) VCF-style: chr6-51889909-TG-T.
Other names: c.4698del, p.Arg1567fs (NM_170724.3); c.4698del (NM_138694.3); short protein forms R1567fs.
Identifiers: ClinVar variation 1724322 (VCV001724322.3), dbSNP rs2532701914, ClinGen allele CA2580075525.
Genomic context (GRCh38, chr6:52,025,111, plus strand): 5'-CATGTAAGCTGAAATTCTTAGGAAAATAATGAAACACTTGGGGCATAATGTAGAAGTGTC[TG>T]GAAACATTACCAGAACAAGCATACCCATTTCTTGTATAAAAAACTGACAGGTAGTGGGGT-3'

ClinVar aggregate classification (germline): Likely pathogenic. Review status: criteria provided, multiple submitters, no conflicts (2 of 4 stars). 2 submissions from 2 submitters: Likely pathogenic (2). Last evaluated 2024-09-17.

Conditions:
Polycystic kidney disease 4 (PKD4). Also called: POLYCYSTIC KIDNEY AND HEPATIC DISEASE 1; POLYCYSTIC KIDNEY DISEASE, INFANTILE, TYPE I; POLYCYSTIC KIDNEY DISEASE 4 WITH OR WITHOUT POLYCYSTIC LIVER DISEASE; PKD3; Autosomal Recessive Polycystic Kidney Disease – PKHD1. Identifiers: MedGen C4540575, MONDO:0033004, OMIM 263200.
Autosomal recessive polycystic kidney disease (ARPKD). Also called: AR polycystic kidney disease. Identifiers: Orphanet 731, Orphanet 8378, MedGen C0085548, MeSH D017044, MONDO:0009889.

Submissions (2):

Natera, Inc.
Classification: Likely pathogenic for Autosomal recessive polycystic kidney disease. Last evaluated: 2024-09-17. Review status: criteria provided, single submitter. Criteria: Natera Variant Classification Schema (03/2026). Collection method: clinical testing. Allele origin: germline.
Comment: The c.4698del variant in PKHD1 is a frameshift variant predicted to shift the reading frame beginning at codon 1567 and leads to a stop codon 25 codons downstream. This variant is expected to result in nonsense mediated decay, truncation, or a dysfunctional protein product. This variant is rare in the general population with a frequency below the threshold expected for the associated phenotype(s). Given the available evidence, this variant is classified as Likely Pathogenic.

Myriad Genetics, Inc.
Classification: Likely pathogenic for Polycystic kidney disease 4. Last evaluated: 2022-02-05. Review status: criteria provided, single submitter. Criteria: Myriad Women's Health Autosomal Recessive and X-Linked Classification Criteria (2021). Collection method: clinical testing. Allele origin: unknown.
Comment: NM_138694.3(PKHD1):c.4698delC(R1567Dfs*25) is expected to be pathogenic in the context of autosomal recessive polycystic kidney disease, PKHD1-related. This variant is predicted to lead to an abnormal or absent protein product due to the creation of a premature termination codon in PKHD1, a gene where loss-of-function variants are known to be pathogenic. Please note: this variant was assessed in the context of healthy population screening.